The following is an entry in ClinVar:

ClinVar aggregate classification (germline): Uncertain significance (1 of 4 stars; one submission).

Allele frequency attached by ClinVar (database versions not stated): gnomAD exomes below 0.00001; ExAC 0.00001; 1000 Genomes Project 0.00020; 1000 Genomes Project 30x 0.00031.
gnomAD v4.1: 3 of 1,608,170 alleles (0.00019%); highest among the groups gnomAD compares: African/African-American, 0.004%; no homozygotes.

Submission:

Labcorp Genetics (formerly Invitae), Labcorp
Classification: Uncertain significance. Last evaluated: 2025-04-28. Review status: criteria provided, single submitter. Criteria: Invitae Variant Classification Sherloc (09022015). Collection method: clinical testing. Allele origin: germline.
Comment: This sequence change affects codon 956 of the ITGAM mRNA. It is a 'silent' change, meaning that it does not change the encoded amino acid sequence of the ITGAM protein. This variant also falls at the last nucleotide of exon 24, which is part of the consensus splice site for this exon. This variant is present in population databases (rs200897326, gnomAD 0.007%). This variant has not been reported in the literature in individuals affected with ITGAM-related conditions. ClinVar contains an entry for this variant (Variation ID: 1510999). Variants that disrupt the consensus splice site are a relatively common cause of aberrant splicing (PMID: 17576681, 9536098). Algorithms developed to predict the effect of sequence changes on RNA splicing suggest that this variant may disrupt the consensus splice site. In summary, the available evidence is currently insufficient to determine the role of this variant in disease. Therefore, it has been classified as a Variant of Uncertain Significance.

Literature cited by the submitters: PubMed 17576681; PubMed 9536098.

NM_000632.4(ITGAM):c.2868G>A (p.Gln956=)

Gene: ITGAM (integrin subunit alpha M; plus strand). Cytogenetic location: 16p11.2.
Variant type: single nucleotide variant.
Coding change: c.2868G>A on transcript NM_000632.4 (MANE Select); coding-DNA position 2868, G replaced by A.
Protein change: p.Gln956=; no amino-acid change (glutamine 956 retained).
Molecular consequence: synonymous variant.
Genome position (GRCh38, 1-based): chr16:31,329,303, G>A. VCF-style: chr16-31329303-G-A. GRCh37 (hg19) VCF-style: chr16-31340624-G-A.
Other names: c.2871G>A, p.Gln957= (NM_001145808.2).
Identifiers: ClinVar variation 1510999 (VCV001510999.8), dbSNP rs200897326, ClinGen allele CA8025994.